The following is an entry in ClinVar:

ClinVar aggregate classification (germline): Uncertain significance. Review status: criteria provided, multiple submitters, no conflicts (2 of 4 stars). 2 submissions from 2 submitters: Uncertain significance (2). Last evaluated 2025-11-03.

Conditions:
Aicardi-Goutieres syndrome 3. Identifiers: Orphanet 51, MedGen C1835916, MONDO:0012471, OMIM 610329.

Allele frequency attached by ClinVar (database versions not stated): TOPMed 0.00001.

Submissions (2):

Labcorp Genetics (formerly Invitae), Labcorp
Classification: Uncertain significance for Aicardi-Goutieres syndrome 3. Last evaluated: 2025-11-03. Review status: criteria provided, single submitter. Criteria: Invitae Variant Classification Sherloc (09022015). Collection method: clinical testing. Allele origin: germline.
Comment: This sequence change replaces aspartic acid, which is acidic and polar, with tyrosine, which is neutral and polar, at codon 39 of the RNASEH2C protein (p.Asp39Tyr). This variant is present in population databases (rs773527127, gnomAD 0.003%). This missense change has been observed in individuals with Aicardi–Goutières syndrome (PMID: 20131292, 27943079, 31130681). ClinVar contains an entry for this variant (Variation ID: 464266). An algorithm developed to predict the effect of missense changes on protein structure and function (PolyPhen-2) suggests that this variant is likely to be disruptive. In summary, the available evidence is currently insufficient to determine the role of this variant in disease. Therefore, it has been classified as a Variant of Uncertain Significance.

Women's Health and Genetics/Laboratory Corporation of America, LabCorp
Classification: Uncertain significance. Last evaluated: 2025-03-18. Review status: criteria provided, single submitter. Criteria: LabCorp Variant Classification Summary - May 2015. Collection method: clinical testing. Allele origin: germline.
Comment: Variant summary: RNASEH2C c.115G>T (p.Asp39Tyr) results in a non-conservative amino acid change in the encoded protein sequence. Four of five in-silico tools predict a damaging effect of the variant on protein function. The variant allele was found at a frequency of 1.1e-05 in 182918 control chromosomes. c.115G>T has been reported in the literature in two compound heterozygous individuals affected with Aicardi Goutieres Syndrome (Ramantani_2010, Garau_2019). These data indicate that the variant may be associated with disease. To our knowledge, no experimental evidence demonstrating an impact on protein function has been reported. The following publications have been ascertained in the context of this evaluation (PMID: 31130681, 20131292). ClinVar contains an entry for this variant (Variation ID: 464266). Based on the evidence outlined above, the variant was classified as VUS-possibly pathogenic.

Literature cited by the submitters: PubMed 20131292 (cited by Labcorp Genetics (formerly Invitae), Labcorp and Women's Health and Genetics/Laboratory Corporation of America, LabCorp); PubMed 27943079 (cited by Labcorp Genetics (formerly Invitae), Labcorp); PubMed 31130681 (cited by Labcorp Genetics (formerly Invitae), Labcorp and Women's Health and Genetics/Laboratory Corporation of America, LabCorp).

NM_032193.4(RNASEH2C):c.115G>T (p.Asp39Tyr)

Genes: RNASEH2C (ribonuclease H2 subunit C; minus strand), LOC130006061 (ATAC-STARR-seq lymphoblastoid silent region 3553; plus strand). Cytogenetic location: 11q13.1.
Variant type: single nucleotide variant.
Coding change: c.115G>T on transcript NM_032193.4 (MANE Select); coding-DNA position 115, G replaced by T.
Protein change: p.Asp39Tyr; replaces aspartic acid 39 with tyrosine.
Molecular consequence: missense variant.
Genome position (GRCh38, 1-based): chr11:65,720,644, C>A on the plus strand (G>T on the coding strand, the complement: RNASEH2C is on the minus strand). VCF-style: chr11-65720644-C-A. GRCh37 (hg19) VCF-style: chr11-65488115-C-A.
Other names: short protein forms D39Y.
Identifiers: ClinVar variation 464266 (VCV000464266.10), dbSNP rs773527127, ClinGen allele CA6107826.